The following is an entry in ClinVar:

ClinVar aggregate classification (germline): Conflicting classifications of pathogenicity. Review status: criteria provided, conflicting classifications (1 of 4 stars). 2 submissions from 2 submitters: Pathogenic (1); Uncertain significance (1). Last evaluated 2022-06-01.

Conditions:
Early-infantile DEE. Also called: Ohtahara syndrome; Early infantile epileptic encephalopathy; Early infantile epileptic encephalopathy with suppression bursts. Identifiers: Orphanet 1934, MedGen C0393706, MONDO:0800491.

Submissions (2):

Labcorp Genetics (formerly Invitae), Labcorp
Classification: Pathogenic for Early-infantile DEE. Last evaluated: 2022-06-01. Review status: criteria provided, single submitter. Criteria: Invitae Variant Classification Sherloc (09022015). Collection method: clinical testing. Allele origin: germline.
Comment: For these reasons, this variant has been classified as Pathogenic. Algorithms developed to predict the effect of missense changes on protein structure and function are either unavailable or do not agree on the potential impact of this missense change (SIFT: "Deleterious"; PolyPhen-2: "Benign"; Align-GVGD: "Class C15"). This missense change has been observed in individual(s) with clinical features of SCN1A-related conditions (PMID: 21248271; Invitae). In at least one individual the variant was observed to be de novo. This variant is not present in population databases (gnomAD no frequency). This sequence change replaces threonine, which is neutral and polar, with isoleucine, which is neutral and non-polar, at codon 1394 of the SCN1A protein (p.Thr1394Ile).

Blueprint Genetics
Classification: Uncertain significance. Last evaluated: 2018-07-27. Review status: criteria provided, single submitter. Criteria: ACMG Guidelines, 2015. Collection method: clinical testing. Allele origin: germline.

Literature cited by the submitters: PubMed 21248271 (cited by Labcorp Genetics (formerly Invitae), Labcorp).

NM_001165963.4(SCN1A):c.4181C>T (p.Thr1394Ile)

Genes: SCN1A (sodium voltage-gated channel alpha subunit 1; minus strand), LOC102724058 (uncharacterized LOC102724058; plus strand). Cytogenetic location: 2q24.3.
Variant type: single nucleotide variant.
Coding change: c.4181C>T on transcript NM_001165963.4 (MANE Select); coding-DNA position 4181, C replaced by T.
Protein change: p.Thr1394Ile; replaces threonine 1394 with isoleucine.
Molecular consequence: missense variant. On other transcripts: non-coding transcript variant (1).
Genome position (GRCh38, 1-based): chr2:166,002,575, G>A on the plus strand (C>T on the coding strand, the complement: SCN1A is on the minus strand). VCF-style: chr2-166002575-G-A. GRCh37 (hg19) VCF-style: chr2-166859085-G-A.
Other names: c.4097C>T, p.Thr1366Ile (NM_001165964.3, NM_001353957.2, NM_001353958.2); c.4181C>T, p.Thr1394Ile (NM_001202435.3, NM_001353948.2); c.4148C>T, p.Thr1383Ile (NM_001353949.2, NM_001353950.2, NM_001353951.2 and 2 more transcripts); c.4145C>T, p.Thr1382Ile (NM_001353954.2, NM_001353955.2); c.4094C>T, p.Thr1365Ile (NM_001353960.2); c.1739C>T, p.Thr580Ile (NM_001353961.2); short protein forms T1382I, T1383I, T1394I, T1365I, T1366I, T580I.
Identifiers: ClinVar variation 2203181 (VCV002203181.5), dbSNP rs1429685364, ClinGen allele CA349050149.
Genomic context (GRCh38, chr2:166,002,575, plus strand): 5'-TTTACTTTCACATTTTTCCATCGAGCAGTCTCATTTCTTTCTATTAGTTTTAGGCAATCA[G>A]TATGATTATTCACGTCTTCGATGTCAAACCTGTCACCAGTTGTGGTGTTAATACAGTGGT-3'
Protein context (NP_001159435.1, residues 1384-1404): RFDIEDVNNH[Thr1394Ile]DCLKLIERNE